The following is an entry in ClinVar:

NM_001105247.2(ARMC5):c.2257C>T (p.Leu753=)

Gene: ARMC5 (armadillo repeat containing 5; plus strand). Cytogenetic location: 16p11.2.
Variant type: single nucleotide variant.
Coding change: c.2257C>T on transcript NM_001105247.2 (MANE Select); coding-DNA position 2257, C replaced by T.
Protein change: p.Leu753=; no amino-acid change (leucine 753 retained).
Molecular consequence: synonymous variant. On other transcripts: 3 prime UTR variant (1).
Genome position (GRCh38, 1-based): chr16:31,466,338, C>T. VCF-style: chr16-31466338-C-T. GRCh37 (hg19) VCF-style: chr16-31477659-C-T.
Other names: c.2542C>T, p.Leu848= (NM_001288767.2); c.2353C>T, p.Leu785= (NM_001301820.1); c.*1137C>T (NM_024742.2).
Identifiers: ClinVar variation 3029032 (VCV003029032.2), dbSNP rs2544863437, ClinGen allele CA494934836.
Genomic context (GRCh38, chr16:31,466,338, plus strand): 5'-CCTTGCCTCTATGAACCTCTGCTGGGCCCAGCCCCTGTCCCAGCTCCCGACCTGCACTTC[C>T]TGCTGGACTCAGGCCTCCAGCTCCCTGCCCAGCGAGCGGCCTCAGCCACCGCCTCCCCTT-3'
Protein context (NP_001098717.1, residues 743-763): APVPAPDLHF[Leu753=]LDSGLQLPAQ

ClinVar aggregate classification (germline): Likely benign (0 of 4 stars; one submission).

Conditions:
ARMC5-related disorder. Also called: ARMC5-related condition.

Allele frequency attached by ClinVar (database versions not stated): gnomAD exomes below 0.00001.

Submission:

PreventionGenetics, part of Exact Sciences
Classification: Likely benign for ARMC5-related condition. Last evaluated: 2022-02-17. Review status: no assertion criteria provided. Collection method: clinical testing. Allele origin: germline.
Comment: This variant is classified as likely benign based on ACMG/AMP sequence variant interpretation guidelines (Richards et al. 2015 PMID: 25741868, with internal and published modifications).